The following is an entry in ClinVar:

ClinVar aggregate classification (germline): Likely pathogenic (1 of 4 stars; one submission).

Conditions:
Dilated cardiomyopathy 1G (CMD1G). Identifiers: Orphanet 154, MedGen C1858763, MONDO:0011400, OMIM 604145.
Autosomal recessive limb-girdle muscular dystrophy type 2J (LGMDR10). Also called: Limb-girdle muscular dystrophy, type 2J; MUSCULAR DYSTROPHY, LIMB-GIRDLE, AUTOSOMAL RECESSIVE 10. Identifiers: Orphanet 140922, MedGen C1837342, MONDO:0012127, OMIM 608807.

Submission:

Labcorp Genetics (formerly Invitae), Labcorp
Classification: Likely pathogenic for Dilated cardiomyopathy 1G; Autosomal recessive limb-girdle muscular dystrophy type 2J. Last evaluated: 2025-01-13. Review status: criteria provided, single submitter. Criteria: Invitae Variant Classification Sherloc (09022015). Collection method: clinical testing. Allele origin: germline.
Comment: This sequence change creates a premature translational stop signal (p.Asp33939Glufs*20) in the TTN gene. While this is not anticipated to result in nonsense mediated decay, it is expected to create a truncated TTN protein. This variant is not present in population databases (gnomAD no frequency). This variant has not been reported in the literature in individuals affected with TTN-related conditions. This variant is located in the M band of TTN (PMID: 25589632). Truncating variants in this region have been previously reported in individuals affected with autosomal dominant or autosomal recessive myopathy and muscular dystrophy (PMID: 18948003, 23975875, 24395473). Truncating variants in this region have also been identified in individuals affected with autosomal dominant dilated cardiomyopathy and/or cardio-related conditions (PMID: 27869827, 32964742, internal data). In summary, the currently available evidence indicates that the variant is pathogenic, but additional data are needed to prove that conclusively. Therefore, this variant has been classified as Likely Pathogenic.

Literature cited by the submitters: PubMed 25589632; PubMed 18948003; PubMed 23975875; PubMed 24395473; PubMed 27869827; PubMed 32964742.

NM_001267550.2(TTN):c.101817del (p.Asp33939fs)

Genes: TTN-AS1 (TTN antisense RNA 1; plus strand), TTN (titin; minus strand). Cytogenetic location: 2q31.2.
Variant type: Deletion.
Coding change: c.101817del on transcript NM_001267550.2 (MANE Select); coding-DNA position 101817, one base deleted (C; older notation c.101817delC).
Protein change: p.Asp33939fs; shifts the reading frame from aspartic acid 33939.
Molecular consequence: frameshift variant.
Genome position (GRCh38, 1-based): chr2:178,534,798, G deleted on the plus strand (C on the coding strand, the reverse complement: TTN is on the minus strand). VCF-style (leftmost placement, unchanged base first): chr2-178534797-TG-T. GRCh37 (hg19) VCF-style: chr2-179399524-TG-T.
Other names: c.96894del, p.Asp32298fs (NM_001256850.1); c.74622del, p.Asp24874fs (NM_003319.4); c.94113del, p.Asp31371fs (NM_133378.4); c.74997del, p.Asp24999fs (NM_133432.3); c.75198del, p.Asp25066fs (NM_133437.4); short protein forms D24874fs, D24999fs, D25066fs, D31371fs, D32298fs, D33939fs.
Identifiers: ClinVar variation 3760197 (VCV003760197.2).